The following is an entry in ClinVar:

ClinVar aggregate classification (germline): Uncertain significance (1 of 4 stars; one submission).

Submission:

GeneDx
Classification: Uncertain significance. Last evaluated: 2023-05-08. Review status: criteria provided, single submitter. Criteria: GeneDx Variant Classification Process June 2021. Collection method: clinical testing. Allele origin: germline. Affected: yes.
Comment: Not observed at significant frequency in large population cohorts (gnomAD); In silico analysis supports that this missense variant does not alter protein structure/function; Has not been previously published as pathogenic or benign to our knowledge

NM_001371727.1(GABRB2):c.217A>C (p.Met73Leu)

Gene: GABRB2 (gamma-aminobutyric acid type A receptor subunit beta2; minus strand). Cytogenetic location: 5q34.
Variant type: single nucleotide variant.
Coding change: c.217A>C on transcript NM_001371727.1 (MANE Select); coding-DNA position 217, A replaced by C.
Protein change: p.Met73Leu; replaces methionine 73 with leucine.
Molecular consequence: missense variant.
Genome position (GRCh38, 1-based): chr5:161,545,247, T>G on the plus strand (A>C on the coding strand, the complement: GABRB2 is on the minus strand). VCF-style: chr5-161545247-T-G. GRCh37 (hg19) VCF-style: chr5-160972253-T-G.
Other names: c.217A>C, p.Met73Leu (NM_000813.3, NM_021911.3); short protein forms M73L.
Identifiers: ClinVar variation 2663337 (VCV002663337.1), dbSNP rs2480166621, ClinGen allele CA362172409.
Genomic context (GRCh38, chr5:161,545,247, plus strand): 5'-GAAAGTTTGCAAAGAAGTAGTCATAAATGTCAATACTCACCATATTGACTTCAGAAACCA[T>G]ATCGATGCTGGCAATGTCAATGTTCATCCCCACAGCCACGGGGGGACCTGCAAAGCAAGA-3'
Protein context (NP_001358656.1, residues 63-83): GMNIDIASID[Met73Leu]VSEVNMDYTL